The following is an entry in ClinVar:

NM_000553.6(WRN):c.1604A>T (p.Glu535Val)

Gene: WRN (WRN RecQ like helicase; plus strand). Cytogenetic location: 8p12.
Variant type: single nucleotide variant.
Coding change: c.1604A>T on transcript NM_000553.6 (MANE Select); coding-DNA position 1604, A replaced by T.
Protein change: p.Glu535Val; replaces glutamic acid 535 with valine.
Molecular consequence: missense variant.
Genome position (GRCh38, 1-based): chr8:31,088,917, A>T. VCF-style: chr8-31088917-A-T. GRCh37 (hg19) VCF-style: chr8-30946433-A-T.
Other names: short protein forms E535V.
Identifiers: ClinVar variation 458387 (VCV000458387.8), dbSNP rs765475534, ClinGen allele CA4704428.

ClinVar aggregate classification (germline): Uncertain significance (1 of 4 stars; one submission).

Conditions:
Werner syndrome (WRN). Identifiers: Orphanet 902, MedGen C0043119, MONDO:0010196, OMIM 277700.

Allele frequency attached by ClinVar (database versions not stated): TOPMed below 0.00001; gnomAD exomes 0.00001; ExAC 0.00002.
gnomAD v4.1: 11 of 1,611,684 alleles (0.00068%); highest among the groups gnomAD compares: Non-Finnish European, 0.00093%; no homozygotes.

Submission:

Labcorp Genetics (formerly Invitae), Labcorp
Classification: Uncertain significance for Werner syndrome. Last evaluated: 2024-08-05. Review status: criteria provided, single submitter. Criteria: Invitae Variant Classification Sherloc (09022015). Collection method: clinical testing. Allele origin: germline.
Comment: This sequence change replaces glutamic acid, which is acidic and polar, with valine, which is neutral and non-polar, at codon 535 of the WRN protein (p.Glu535Val). This variant is present in population databases (rs765475534, gnomAD 0.003%). This variant has not been reported in the literature in individuals affected with WRN-related conditions. ClinVar contains an entry for this variant (Variation ID: 458387). An algorithm developed to predict the effect of missense changes on protein structure and function (PolyPhen-2) suggests that this variant is likely to be tolerated. In summary, the available evidence is currently insufficient to determine the role of this variant in disease. Therefore, it has been classified as a Variant of Uncertain Significance.